The following is an entry in ClinVar:

ClinVar aggregate classification (germline): Uncertain significance. Review status: criteria provided, multiple submitters, no conflicts (2 of 4 stars). 2 submissions from 2 submitters: Uncertain significance (2). Last evaluated 2025-09-25.

Conditions:
Duchenne muscular dystrophy (DMD). Also called: Duchenne Muscular Dystrophy (DMD); MUSCULAR DYSTROPHY, PSEUDOHYPERTROPHIC PROGRESSIVE, DUCHENNE TYPE. Identifiers: Orphanet 98896, MedGen C0013264, MONDO:0010679, OMIM 310200.

Submissions (2):

GeneDx
Classification: Uncertain significance. Last evaluated: 2025-09-25. Review status: criteria provided, single submitter. Criteria: GeneDx Variant Classification Process June 2021. Collection method: clinical testing. Allele origin: germline. Affected: yes.
Comment: Not observed at significant frequency in large population cohorts (gnomAD); In silico analysis supports that this missense variant has a deleterious effect on protein structure/function; Missense variant in a gene in which most reported pathogenic variants are truncating/loss of function; Has not been previously published as pathogenic or benign to our knowledge

Labcorp Genetics (formerly Invitae), Labcorp
Classification: Uncertain significance for Duchenne muscular dystrophy. Last evaluated: 2023-08-11. Review status: criteria provided, single submitter. Criteria: Invitae Variant Classification Sherloc (09022015). Collection method: clinical testing. Allele origin: germline.
Comment: This variant has not been reported in the literature in individuals affected with DMD-related conditions. In summary, the available evidence is currently insufficient to determine the role of this variant in disease. Therefore, it has been classified as a Variant of Uncertain Significance. Advanced modeling of protein sequence and biophysical properties (such as structural, functional, and spatial information, amino acid conservation, physicochemical variation, residue mobility, and thermodynamic stability) performed at Invitae indicates that this missense variant is not expected to disrupt DMD protein function. This variant is not present in population databases (gnomAD no frequency). This sequence change replaces threonine, which is neutral and polar, with serine, which is neutral and polar, at codon 2656 of the DMD protein (p.Thr2656Ser).

NM_004006.3(DMD):c.7967C>G (p.Thr2656Ser)

Gene: DMD (dystrophin; minus strand). Cytogenetic location: Xp21.1.
Variant type: single nucleotide variant.
Coding change: c.7967C>G on transcript NM_004006.3 (MANE Select); coding-DNA position 7967, C replaced by G.
Protein change: p.Thr2656Ser; replaces threonine 2656 with serine.
Molecular consequence: missense variant.
Genome position (GRCh38, 1-based): chrX:31,658,050, G>C on the plus strand (C>G on the coding strand, the complement: DMD is on the minus strand). VCF-style: chrX-31658050-G-C. GRCh37 (hg19) VCF-style: chrX-31676167-G-C.
Other names: c.7943C>G, p.Thr2648Ser (NM_000109.4); c.7955C>G, p.Thr2652Ser (NM_004009.3); c.7598C>G, p.Thr2533Ser (NM_004010.3); c.3944C>G, p.Thr1315Ser (NM_004011.4); c.3935C>G, p.Thr1312Ser (NM_004012.4); c.587C>G, p.Thr196Ser (NM_004013.3, NM_004020.4, NM_004021.3 and 2 more transcripts); short protein forms T1312S, T1315S, T196S, T2533S, T2648S, T2652S, T2656S.
Identifiers: ClinVar variation 2581929 (VCV002581929.5), dbSNP rs1569186515, ClinGen allele CA412655847.